The following is an entry in ClinVar:

ClinVar aggregate classification (germline): Uncertain significance (1 of 4 stars; one submission).

Conditions:
Diamond-Blackfan anemia 8 (DBA8). Also called: RPS7-Related Diamond-Blackfan Anemia. Identifiers: Orphanet 124, MedGen C2675511, MONDO:0012939, OMIM 612563.

Allele frequency attached by ClinVar (database versions not stated): TOPMed 0.00001.

Submission:

Labcorp Genetics (formerly Invitae), Labcorp
Classification: Uncertain significance for Diamond-Blackfan anemia 8. Last evaluated: 2022-07-21. Review status: criteria provided, single submitter. Criteria: Invitae Variant Classification Sherloc (09022015). Collection method: clinical testing. Allele origin: germline.
Comment: This variant has not been reported in the literature in individuals affected with RPS7-related conditions. This sequence change replaces valine, which is neutral and non-polar, with isoleucine, which is neutral and non-polar, at codon 80 of the RPS7 protein (p.Val80Ile). This variant is not present in population databases (gnomAD no frequency). Algorithms developed to predict the effect of missense changes on protein structure and function (SIFT, PolyPhen-2, Align-GVGD) all suggest that this variant is likely to be tolerated. In summary, the available evidence is currently insufficient to determine the role of this variant in disease. Therefore, it has been classified as a Variant of Uncertain Significance.

NM_001011.4(RPS7):c.238G>A (p.Val80Ile)

Gene: RPS7 (ribosomal protein S7; plus strand). Cytogenetic location: 2p25.3.
Variant type: single nucleotide variant.
Coding change: c.238G>A on transcript NM_001011.4 (MANE Select); coding-DNA position 238, G replaced by A.
Protein change: p.Val80Ile; replaces valine 80 with isoleucine.
Molecular consequence: missense variant.
Genome position (GRCh38, 1-based): chr2:3,576,577, G>A. VCF-style: chr2-3576577-G-A. GRCh37 (hg19) VCF-style: chr2-3624167-G-A.
Other names: short protein forms V80I.
Identifiers: ClinVar variation 1949441 (VCV001949441.5), dbSNP rs1267999502, ClinGen allele CA345743029.